The following is an entry in ClinVar:

NM_000059.4(BRCA2):c.5222_5224del (p.Ser1741del)

Gene: BRCA2 (BRCA2 DNA repair associated; plus strand). Cytogenetic location: 13q13.1.
Variant type: Deletion.
Coding change: c.5222_5224del on transcript NM_000059.4 (MANE Select); coding-DNA positions 5222 to 5224, 3 bases deleted (GTA; older notation c.5222_5224delGTA).
Protein change: p.Ser1741del; deletes serine 1741.
Molecular consequence: inframe deletion.
Genome position (GRCh38, 1-based): chr13:32,339,577-32,339,579, GTA deleted; deleting any 3 consecutive bases within chr13:32,339,576-32,339,579 gives the same sequence; the c. name uses the placement nearest the transcript's 3' end. VCF-style (leftmost placement, unchanged base first): chr13-32339575-AAGT-A. GRCh37 (hg19) VCF-style: chr13-32913712-AAGT-A.
Other names: short protein forms S1741del.
Identifiers: ClinVar variation 1014504 (VCV001014504.11), dbSNP rs2072524158, ClinGen allele CA2082820625.

ClinVar aggregate classification (germline): Uncertain significance. Review status: criteria provided, multiple submitters, no conflicts (2 of 4 stars). 2 submissions from 2 submitters: Uncertain significance (2). Last evaluated 2024-08-04.

Conditions:
Hereditary cancer-predisposing syndrome. Also called: Hereditary Cancer Syndrome; Tumor predisposition; Neoplastic Syndromes, Hereditary; Hereditary neoplastic syndrome. Identifiers: Orphanet 140162, MedGen C0027672, MeSH D009386, MONDO:0015356.
Hereditary breast ovarian cancer syndrome. Also called: Hereditary breast and ovarian cancer syndrome (HBOC); Hereditary breast and/or ovarian cancer syndrome; BRCA1- and BRCA2-Associated Hereditary Breast and Ovarian Cancer; Hereditary breast and ovarian cancer syndrome; Hereditary breast and ovarian cancer; Breast and ovarian cancer. Identifiers: Orphanet 145, MedGen C0677776, MeSH D061325, MONDO:0003582. Disease mechanism: loss of function.

Submissions (2):

Labcorp Genetics (formerly Invitae), Labcorp
Classification: Uncertain significance for Hereditary breast ovarian cancer syndrome. Last evaluated: 2024-08-04. Review status: criteria provided, single submitter. Criteria: Invitae Variant Classification Sherloc (09022015). Collection method: clinical testing. Allele origin: germline.
Comment: This variant, c.5222_5224del, results in the deletion of 1 amino acid(s) of the BRCA2 protein (p.Ser1741del), but otherwise preserves the integrity of the reading frame. This variant is not present in population databases (gnomAD no frequency). This variant has not been reported in the literature in individuals affected with BRCA2-related conditions. ClinVar contains an entry for this variant (Variation ID: 1014504). Experimental studies and prediction algorithms are not available or were not evaluated, and the functional significance of this variant is currently unknown. In summary, the available evidence is currently insufficient to determine the role of this variant in disease. Therefore, it has been classified as a Variant of Uncertain Significance.

Ambry Genetics
Classification: Uncertain significance for Hereditary cancer-predisposing syndrome. Last evaluated: 2022-09-12. Review status: criteria provided, single submitter. Criteria: Ambry Variant Classification Scheme 2023. Collection method: clinical testing. Allele origin: germline.
Comment: The c.5222_5224delGTA variant (also known as p.S1741del) is located in coding exon 10 of the BRCA2 gene. This variant results from an in-frame GTA deletion at nucleotide positions 5222 to 5224. This results in the in-frame deletion of a serine at codon 1741. This amino acid position is not well conserved in available vertebrate species. In addition, the in silico prediction for this alteration is inconclusive (Choi Y et al. PLoS ONE. 2012; 7(10):e46688). Since supporting evidence is limited at this time, the clinical significance of this alteration remains unclear.